The following is an entry in ClinVar:

NM_001363540.2(DOCK4):c.5418T>A (p.Thr1806=)

Gene: DOCK4 (dedicator of cytokinesis 4; minus strand). Cytogenetic location: 7q31.1.
Variant type: single nucleotide variant.
Coding change: c.5418T>A on transcript NM_001363540.2 (MANE Select); coding-DNA position 5418, T replaced by A.
Protein change: p.Thr1806=; no amino-acid change (threonine 1806 retained).
Molecular consequence: synonymous variant.
Genome position (GRCh38, 1-based): chr7:111,735,055, A>T on the plus strand (T>A on the coding strand, the complement: DOCK4 is on the minus strand). VCF-style: chr7-111735055-A-T. GRCh37 (hg19) VCF-style: chr7-111375111-A-T.
Other names: c.5391T>A, p.Thr1797= (NM_014705.4).
Identifiers: ClinVar variation 3057729 (VCV003057729.2), dbSNP rs1222600731, ClinGen allele CA456937301.

ClinVar aggregate classification (germline): Likely benign (0 of 4 stars; one submission).

Conditions:
DOCK4-related disorder. Also called: DOCK4-related condition.

Allele frequency attached by ClinVar (database versions not stated): gnomAD exomes below 0.00001.
gnomAD v4.1: 2 of 1,566,650 alleles (0.00013%); highest among the groups gnomAD compares: South Asian, 0.0023%; no homozygotes.

Submission:

PreventionGenetics, part of Exact Sciences
Classification: Likely benign for DOCK4-related condition. Last evaluated: 2021-09-16. Review status: no assertion criteria provided. Collection method: clinical testing. Allele origin: germline.
Comment: This variant is classified as likely benign based on ACMG/AMP sequence variant interpretation guidelines (Richards et al. 2015 PMID: 25741868, with internal and published modifications).